The following is an entry in ClinVar:

NM_153252.5(BRWD3):c.-229C>T

Gene: BRWD3 (bromodomain and WD repeat domain containing 3; minus strand). Cytogenetic location: Xq21.1.
Variant type: single nucleotide variant.
Coding change: c.-229C>T on transcript NM_153252.5 (MANE Select); 229 bases upstream of the start codon, C replaced by T.
Molecular consequence: 5 prime UTR variant.
Genome position (GRCh38, 1-based): chrX:80,809,700, G>A on the plus strand (C>T on the coding strand, the complement: BRWD3 is on the minus strand). VCF-style: chrX-80809700-G-A. GRCh37 (hg19) VCF-style: chrX-80065199-G-A.
Identifiers: ClinVar variation 913159 (VCV000913159.4), dbSNP rs766658667, ClinGen allele CA331835851.

ClinVar aggregate classification (germline): Benign (1 of 4 stars; one submission).

Conditions:
Intellectual developmental disorder, X-linked 93. Also called: Intellectual disability, X-linked 93; MENTAL RETARDATION, X-LINKED, WITH MACROCEPHALY. Identifiers: MedGen C1970841, MONDO:0010393, OMIM 300659.

Submission:

Illumina Laboratory Services, Illumina
Classification: Benign for Intellectual developmental disorder, X-linked 93. Last evaluated: 2018-01-12. Review status: criteria provided, single submitter. Criteria: ICSL Variant Classification Criteria 13 December 2019. Collection method: clinical testing. Allele origin: germline.
Comment: This variant was observed in the ICSL laboratory as part of a predisposition screen in an ostensibly healthy population. It had not been previously curated by ICSL or reported in the Human Gene Mutation Database (HGMD: prior to June 1st, 2018), and was therefore a candidate for classification through an automated scoring system. Utilizing variant allele frequency, disease prevalence and penetrance estimates, and inheritance mode, an automated score was calculated to assess if this variant is too frequent to cause the disease. Based on the score and internal cut-off values, a variant classified as benign is not then subjected to further curation. The score for this variant resulted in a classification of benign for this disease.